The following is an entry in ClinVar:

NM_000497.4(CYP11B1):c.526del (p.Val176fs)

Genes: CYP11B1 (cytochrome P450 family 11 subfamily B member 1; minus strand), LOC106799833 (CYP11B1 recombination region; plus strand). Cytogenetic location: 8q24.3.
Variant type: Deletion.
Coding change: c.526del on transcript NM_000497.4 (MANE Select); coding-DNA position 526, one base deleted (G; older notation c.526delG).
Protein change: p.Val176fs; shifts the reading frame from valine 176.
Molecular consequence: frameshift variant.
Genome position (GRCh38, 1-based): chr8:142,877,092, C deleted on the plus strand (G on the coding strand, the reverse complement: CYP11B1 is on the minus strand); the first of 2 consecutive C bases (chr8:142,877,092-142,877,093); deleting either gives the same sequence. VCF-style (leftmost placement, unchanged base first): chr8-142877091-AC-A. GRCh37 (hg19) VCF-style: chr8-143958507-AC-A.
Other names: c.526del, p.Val176fs (NM_001026213.1); short protein forms V176fs.
Identifiers: ClinVar variation 5013888 (VCV005013888.1).

ClinVar aggregate classification (germline): Pathogenic (1 of 4 stars; one submission).

Conditions:
Deficiency of steroid 11-beta-monooxygenase (CYP11B1). Also called: ADRENAL HYPERPLASIA, CONGENITAL, DUE TO STEROID 11-BETA-HYDROXYLASE DEFICIENCY; 11-BETA-HYDROXYLASE DEFICIENCY; ADRENAL HYPERPLASIA IV; P450C11B1 DEFICIENCY; STEROID 11-BETA-HYDROXYLASE DEFICIENCY; Congenital adrenal hyperplasia due to 11-beta-hydroxylase deficiency. Identifiers: Orphanet 90795, MedGen C0268292, MONDO:0008729, OMIM 202010. Disease mechanism: loss of function.

Submission:

Myriad Genetics, Inc.
Classification: Pathogenic for Deficiency of steroid 11-beta-monooxygenase. Last evaluated: 2024-12-24. Review status: criteria provided, single submitter. Criteria: Myriad Autosomal Dominant, Autosomal Recessive and X-Linked Classification Criteria (2023). Collection method: clinical testing. Allele origin: unknown.
Comment: NM_000497.3(CYP11B1):c.526delG(V176Cfs*9) is expected to be pathogenic in the context of congenital adrenal hyperplasia, CYP11B1-related. This variant is predicted to lead to an abnormal or absent protein product due to the creation of a premature termination codon in CYP11B1, a gene where loss-of-function variants are known to be pathogenic. Please note: this variant was assessed in the context of healthy population screening.